The following is an entry in ClinVar:

NM_001366178.1(ARHGAP33):c.1086-5C>G

Gene: ARHGAP33 (Rho GTPase activating protein 33; plus strand). Cytogenetic location: 19q13.12.
Variant type: single nucleotide variant.
Coding change: c.1086-5C>G on transcript NM_001366178.1 (MANE Select); 5 bases into the intron before coding-DNA position 1086, C replaced by G.
Molecular consequence: intron variant.
Genome position (GRCh38, 1-based): chr19:35,782,368, C>G. VCF-style: chr19-35782368-C-G. GRCh37 (hg19) VCF-style: chr19-36273270-C-G.
Other names: NC_000019.9:g.36273270C>G; c.1086-5C>G (NM_052948.4); c.678-5C>G (NM_001172630.2).
Identifiers: ClinVar variation 2649757 (VCV002649757.25), dbSNP rs199720880, ClinGen allele CA9388421.

ClinVar aggregate classification (germline): Likely benign (1 of 4 stars; one submission).

Allele frequency attached by ClinVar (database versions not stated): 1000 Genomes Project 0.00080; 1000 Genomes Project 30x 0.00094; ExAC 0.00109; gnomAD 0.00118; TOPMed 0.00136; gnomAD exomes 0.00164; ESP Exome Variant Server 0.00200.
gnomAD v4.1: 2,540 of 1,598,376 alleles (0.16%); highest among the groups gnomAD compares: Non-Finnish European, 0.2%; 4 homozygotes.

Submissions (2):

CeGaT Center for Human Genetics Tuebingen
Classification: Likely benign. Last evaluated: 2022-08-01. Review status: criteria provided, single submitter. Criteria: CeGaT Center For Human Genetics Tuebingen Variant Classification Criteria Version 2. Collection method: clinical testing. Allele origin: germline. Affected: yes. Observed: 1 variant allele.
Comment: ARHGAP33: BP4

Dr. Peter K. Rogan Lab, Western University
No classification provided (evidence only). Condition: Acute myeloid leukemia. Review status: no classification provided. Collection method: in vitro. Allele origin: not applicable. Functional consequence: retained intron. Not counted in ClinVar's aggregate classification.